The following is an entry in ClinVar:

ClinVar aggregate classification (germline): Likely pathogenic (1 of 4 stars; one submission).

Conditions:
Duchenne muscular dystrophy (DMD). Also called: Duchenne Muscular Dystrophy (DMD); MUSCULAR DYSTROPHY, PSEUDOHYPERTROPHIC PROGRESSIVE, DUCHENNE TYPE. Identifiers: Orphanet 98896, MedGen C0013264, MONDO:0010679, OMIM 310200.

Submission:

Labcorp Genetics (formerly Invitae), Labcorp
Classification: Likely pathogenic for Duchenne muscular dystrophy. Last evaluated: 2022-05-21. Review status: criteria provided, single submitter. Criteria: Invitae Variant Classification Sherloc (09022015). Collection method: clinical testing. Allele origin: germline.
Comment: This variant results in a copy number gain of the genomic region encompassing exon(s) 3-30 of the DMD gene. While the exact position of this variant cannot be determined from the data, sub-genic copy number gains are generally in tandem (PMID: 25640679). This variant is predicted to be in-frame, and likely preserves the integrity of the reading frame. A similar copy number variant has been observed in individuals with Duchenne or Becker muscular dystrophy (PMID: 12111668, 26911353, 31705731). In summary, the currently available evidence indicates that the variant is pathogenic, but additional data are needed to prove that conclusively. Therefore, this variant has been classified as Likely Pathogenic.

Literature cited by the submitters: PubMed 25640679; PubMed 12111668; PubMed 26911353; PubMed 31705731.

NC_000023.10:g.(?_32429849)_(32867957_?)dup

Gene: DMD (dystrophin; minus strand). Cytogenetic location: Xp21.1.
Variant type: Duplication.
Identifiers: ClinVar variation 2424964 (VCV002424964.2).